The following is an entry in ClinVar:

ClinVar aggregate classification (germline): Likely pathogenic (1 of 4 stars; one submission).

Conditions:
Familial thoracic aortic aneurysm and aortic dissection (TAAD). Also called: Thoracic aortic aneurysms and dissections. Identifiers: Orphanet 91387, MedGen C4707243, MONDO:0019625.

Submission:

Labcorp Genetics (formerly Invitae), Labcorp
Classification: Likely pathogenic for Familial thoracic aortic aneurysm and aortic dissection. Last evaluated: 2022-07-05. Review status: criteria provided, single submitter. Criteria: Invitae Variant Classification Sherloc (09022015). Collection method: clinical testing. Allele origin: germline.
Comment: In summary, the currently available evidence indicates that the variant is pathogenic, but additional data are needed to prove that conclusively. Therefore, this variant has been classified as Likely Pathogenic. This variant disrupts the p.His283 amino acid residue in TGFBR1. Other variant(s) that disrupt this residue have been determined to be pathogenic (PMID: 25326635, 27125181, 27879313). This suggests that this residue is clinically significant, and that variants that disrupt this residue are likely to be disease-causing. This variant has not been reported in the literature in individuals affected with TGFBR1-related conditions. This variant is a gross deletion of the genomic region encompassing exon(s) 5-9 of the TGFBR1 gene, which includes the termination codon. This deletion extends beyond the assayed region for this gene and therefore may encompass additional genes. While this deletion is not anticipated to lead to nonsense mediated decay, it is expected to alter mRNA translation or result in a truncated protein product.

Literature cited by the submitters: PubMed 25326635; PubMed 27125181; PubMed 27879313.

NC_000009.12:g.(?_99142526)_(99150189_?)del

Gene: TGFBR1 (transforming growth factor beta receptor 1; plus strand). Cytogenetic location: 9q22.33.
Variant type: Deletion.
Identifiers: ClinVar variation 830623 (VCV000830623.9).